The following is an entry in ClinVar:

NM_000297.4(PKD2):c.2356_2357del (p.Arg786fs)

Gene: PKD2 (polycystin 2, transient receptor potential cation channel; plus strand). Cytogenetic location: 4q22.1.
Variant type: Microsatellite.
Coding change: c.2356_2357del on transcript NM_000297.4 (MANE Select); coding-DNA positions 2356 to 2357, 2 bases deleted (AG; older notation c.2356_2357delAG).
Protein change: p.Arg786fs; shifts the reading frame from arginine 786.
Molecular consequence: frameshift variant. On other transcripts: non-coding transcript variant (1).
Genome position (GRCh38, 1-based): chr4:88,065,877-88,065,878, AG deleted; deleting any 2 consecutive bases within chr4:88,065,873-88,065,878 gives the same sequence; the c. name uses the placement nearest the transcript's 3' end. VCF-style (leftmost placement, unchanged base first): chr4-88065872-AAG-A. GRCh37 (hg19) VCF-style: chr4-88987024-AAG-A.
Other names: c.2356_2357delAG (NM_000297.4); short protein forms R786fs.
Identifiers: ClinVar variation 3377085 (VCV003377085.7).

ClinVar aggregate classification (germline): Pathogenic. Review status: criteria provided, multiple submitters, no conflicts (2 of 4 stars). 7 submissions from 7 submitters: Pathogenic (7). Last evaluated 2026-04-17.

Conditions:
PKD2-related disorder. Also called: PKD2-related condition.
Polycystic kidney disease 2 (PKD2). Also called: Polycystic Kidney Disease 2, Autosomal Dominant; POLYCYSTIC KIDNEY DISEASE, ADULT, TYPE II; POLYCYSTIC KIDNEY DISEASE 2 WITH OR WITHOUT POLYCYSTIC LIVER DISEASE. Identifiers: MedGen C2751306, MONDO:0013131, OMIM 613095.
Autosomal dominant polycystic kidney disease. Identifiers: Orphanet 730, MedGen C0085413, MONDO:0004691.

Submissions (7):

Clinical Genetics Laboratory, Skane University Hospital Lund
Classification: Pathogenic for Autosomal dominant polycystic kidney disease. Last evaluated: 2026-04-17. Review status: criteria provided, single submitter. Criteria: ACMG Guidelines, 2015. Collection method: clinical testing. Allele origin: germline. Affected: yes.
Comment: ACMG criteria used: PVS1, PS4, PM2

PreventionGenetics, part of Exact Sciences
Classification: Pathogenic for PKD2-related condition. Last evaluated: 2026-02-25. Review status: criteria provided, single submitter. Criteria: ACMG Guidelines, 2015. Collection method: clinical testing. Allele origin: germline.
Comment: The PKD2 c.2356_2357delAG variant is predicted to result in a frameshift and premature protein termination (p.Arg786Glyfs*25). This variant was reported in individuals with autosomal dominant polycystic kidney disease (ADPKD) (see for example, Garcia-Gonzalez et al. 2007. PubMed ID: 17574468; Chang et al. 2022. PubMed ID: 36573973). This variant has not been reported in a large population database (gnomAD), indicating this variant is rare. Frameshift variants in PKD2 are expected to be pathogenic. This variant is interpreted as pathogenic.

Women's Health and Genetics/Laboratory Corporation of America, LabCorp
Classification: Pathogenic for Polycystic kidney disease 2. Last evaluated: 2025-10-03. Review status: criteria provided, single submitter. Criteria: LabCorp Variant Classification Summary - May 2015. Collection method: clinical testing. Allele origin: germline.
Comment: Variant summary: PKD2 c.2356_2357delAG (p.Arg786GlyfsX25) results in a premature termination codon, predicted to cause a truncation of the encoded protein or absence of the protein due to nonsense mediated decay, which are commonly known mechanisms for disease. The variant was absent in 251326 control chromosomes. c.2356_2357delAG has been observed in at least one heterozygous individual affected with Polycystic Kidney Disease 2 (e.g. Topak_2024). To our knowledge, no experimental evidence demonstrating an impact on protein function has been reported. The following publication has been ascertained in the context of this evaluation (PMID: 37078890). ClinVar contains an entry for this variant (Variation ID: 3377085). Based on the evidence outlined above, the variant was classified as pathogenic.

Victorian Clinical Genetics Services, Murdoch Childrens Research Institute
Classification: Pathogenic for Polycystic kidney disease 2. Last evaluated: 2024-10-10. Review status: criteria provided, single submitter. Criteria: ACMG Guidelines, 2015. Collection method: clinical testing. Allele origin: germline. Inheritance: Autosomal dominant inheritance. Affected: yes.
Comment: Based on the classification scheme VCGS_Germline_v1.3.5, this variant is classified as Pathogenic. Following criteria are met: 0102 - Loss of function is a known mechanism of disease in this gene and is associated with polycystic kidney disease 2 (MIM#613095). (I) 0107 - This gene is associated with autosomal dominant disease. (I) 0201 - Variant is predicted to cause nonsense-mediated decay (NMD) and loss of protein (premature termination codon is located at least 54 nucleotides upstream of the final exon-exon junction). (SP) 0251 - This variant is heterozygous. (I) 0301 - Variant is absent from gnomAD (v2, v3 and v4). (SP) 0701 - Other NMD-predicted variants comparable to the one identified in this case have very strong previous evidence for pathogenicity (DECIPHER). (SP) 0802 - This variant has moderate previous evidence of pathogenicity in unrelated individuals. It has been observed in individuals with autosomal dominant polycystic kidney disease (PMIDs: 37078890, 34101167, 23300259). (SP) 0905 - No published segregation evidence has been identified for this variant. (I) 1007 - No published functional evidence has been identified for this variant. (I) 1208 - Inheritance information for this variant is not currently available in this individual. (I) Legend: (SP) - Supporting pathogenic, (I) - Information, (SB) - Supporting benign

Blueprint Genetics
Classification: Pathogenic for PKD2-related disorders. Last evaluated: 2024-08-28. Review status: criteria provided, single submitter. Criteria: ACMG Guidelines, 2015. Collection method: clinical testing. Allele origin: germline. Affected: yes. Observed: 1 variant allele.

Fulgent Genetics
Classification: Pathogenic for Polycystic kidney disease 2. Last evaluated: 2024-04-30. Review status: criteria provided, single submitter. Criteria: ACMG Guidelines, 2015. Collection method: clinical testing. Allele origin: germline.

MVZ Medizinische Genetik Mainz
Classification: Pathogenic for Polycystic kidney disease 2. Last evaluated: 2024-02-20. Review status: criteria provided, single submitter. Criteria: UK Practice Guidelines For Variant Classification V4 01 2020. Collection method: clinical testing. Allele origin: germline. Inheritance: Autosomal dominant inheritance. Affected: yes. Observed: 1 variant allele.
Comment: ACMG Criteria: PVS1,PS4_MOD,PM2_SUP,PP4

Literature cited by the submitters: PubMed 37078890 (cited by Women's Health and Genetics/Laboratory Corporation of America, LabCorp and Victorian Clinical Genetics Services, Murdoch Childrens Research Institute); PubMed 23300259 (cited by Victorian Clinical Genetics Services, Murdoch Childrens Research Institute); PubMed 34101167 (cited by Victorian Clinical Genetics Services, Murdoch Childrens Research Institute).